The following is an entry in ClinVar:

ClinVar aggregate classification (germline): Uncertain significance (1 of 4 stars; one submission).

Allele frequency attached by ClinVar (database versions not stated): TOPMed 0.00005; gnomAD exomes below 0.00001 and 0.00002; gnomAD 0.00001; ExAC 0.00002.
gnomAD v4.1: 8 of 1,614,080 alleles (0.0005%); highest among the groups gnomAD compares: East Asian, 0.013%; no homozygotes.

Submission:

Labcorp Genetics (formerly Invitae), Labcorp
Classification: Uncertain significance. Last evaluated: 2025-12-23. Review status: criteria provided, single submitter. Criteria: Invitae Variant Classification Sherloc (09022015). Collection method: clinical testing. Allele origin: germline.
Comment: This sequence change replaces alanine, which is neutral and non-polar, with threonine, which is neutral and polar, at codon 169 of the IL2RB protein (p.Ala169Thr). This variant is present in population databases (rs774119548, gnomAD 0.02%). This variant has not been reported in the literature in individuals affected with IL2RB-related conditions. ClinVar contains an entry for this variant (Variation ID: 1509065). An algorithm developed to predict the effect of missense changes on protein structure and function (PolyPhen-2) suggests that this variant is likely to be tolerated. In summary, the available evidence is currently insufficient to determine the role of this variant in disease. Therefore, it has been classified as a Variant of Uncertain Significance.

NM_000878.5(IL2RB):c.505G>A (p.Ala169Thr)

Gene: IL2RB (interleukin 2 receptor subunit beta; minus strand). Cytogenetic location: 22q12.3.
Variant type: single nucleotide variant.
Coding change: c.505G>A on transcript NM_000878.5 (MANE Select); coding-DNA position 505, G replaced by A.
Protein change: p.Ala169Thr; replaces alanine 169 with threonine.
Molecular consequence: missense variant.
Genome position (GRCh38, 1-based): chr22:37,137,619, C>T on the plus strand (G>A on the coding strand, the complement: IL2RB is on the minus strand). VCF-style: chr22-37137619-C-T. GRCh37 (hg19) VCF-style: chr22-37533659-C-T.
Other names: c.505G>A, p.Ala169Thr (NM_001346222.1, NM_001346223.2); short protein forms A169T.
Identifiers: ClinVar variation 1509065 (VCV001509065.8), dbSNP rs774119548, ClinGen allele CA10216612.